The following is an entry in ClinVar:

NM_004380.3(CREBBP):c.6456C>T (p.Pro2152=)

Gene: CREBBP (CREB binding lysine acetyltransferase; minus strand). Cytogenetic location: 16p13.3.
Variant type: single nucleotide variant.
Coding change: c.6456C>T on transcript NM_004380.3 (MANE Select); coding-DNA position 6456, C replaced by T.
Protein change: p.Pro2152=; no amino-acid change (proline 2152 retained).
Molecular consequence: synonymous variant.
Genome position (GRCh38, 1-based): chr16:3,728,591, G>A on the plus strand (C>T on the coding strand, the complement: CREBBP is on the minus strand). VCF-style: chr16-3728591-G-A. GRCh37 (hg19) VCF-style: chr16-3778592-G-A.
Other names: c.6456C>T (NM_004380.2); c.6342C>T, p.Pro2114= (NM_001079846.1).
Identifiers: ClinVar variation 2052314 (VCV002052314.5), dbSNP rs769799508, ClinGen allele CA7869103.

ClinVar aggregate classification (germline): Likely benign. Review status: criteria provided, single submitter (1 of 4 stars). 2 submissions from 2 submitters: Likely benign (1). 1 of the submissions does not count toward it. Last evaluated 2024-12-05.

Conditions:
CREBBP-related disorder. Also called: CREBBP-related condition; CREBBP-related disorders.
Rubinstein-Taybi syndrome (RSTS). Identifiers: Orphanet 783, MedGen C0035934, MONDO:0019188.

Allele frequency attached by ClinVar (database versions not stated): gnomAD 0.00003; TOPMed 0.00005; ExAC 0.00002; gnomAD exomes 0.00002.
gnomAD v4.1: 40 of 1,613,704 alleles (0.0025%); highest among the groups gnomAD compares: Admixed American, 0.005%; no homozygotes.

Submissions (2):

Labcorp Genetics (formerly Invitae), Labcorp
Classification: Likely benign for Rubinstein-Taybi syndrome. Last evaluated: 2024-12-05. Review status: criteria provided, single submitter. Criteria: Invitae Variant Classification Sherloc (09022015). Collection method: clinical testing. Allele origin: germline.

PreventionGenetics, part of Exact Sciences
Classification: Likely benign for CREBBP-related condition. Last evaluated: 2024-04-10. Review status: no assertion criteria provided. Collection method: clinical testing. Allele origin: germline. Not counted in ClinVar's aggregate classification.
Comment: This variant is classified as likely benign based on ACMG/AMP sequence variant interpretation guidelines (Richards et al. 2015 PMID: 25741868, with internal and published modifications).